The following is an entry in ClinVar:

NM_004525.3(LRP2):c.12136C>T (p.Arg4046Ter)

Gene: LRP2 (LDL receptor related protein 2; minus strand). Cytogenetic location: 2q31.1.
Variant type: single nucleotide variant.
Coding change: c.12136C>T on transcript NM_004525.3 (MANE Select); coding-DNA position 12136, C replaced by T.
Protein change: p.Arg4046Ter; replaces arginine 4046 with a stop codon.
Molecular consequence: nonsense.
Genome position (GRCh38, 1-based): chr2:169,156,289, G>A on the plus strand (C>T on the coding strand, the complement: LRP2 is on the minus strand). VCF-style: chr2-169156289-G-A. GRCh37 (hg19) VCF-style: chr2-170012799-G-A.
Other names: short protein forms R4046*.
Identifiers: ClinVar variation 2860294 (VCV002860294.5), dbSNP rs1364297209, ClinGen allele CA349137691.

ClinVar aggregate classification (germline): Pathogenic. Review status: criteria provided, multiple submitters, no conflicts (2 of 4 stars). 3 submissions from 3 submitters: Pathogenic (3). Last evaluated 2025-10-20.

Conditions:
Donnai-Barrow syndrome. Also called: DBS/FOAR SYNDROME; FACIOOCULOACOUSTICORENAL SYNDROME. Identifiers: Orphanet 2143, MedGen C1857277, MONDO:0009104, OMIM 222448.

Allele frequency attached by ClinVar (database versions not stated): gnomAD 0.00001.
gnomAD v4.1: 3 of 1,613,522 alleles (0.00019%); highest among the groups gnomAD compares: African/African-American, 0.0013%; no homozygotes.

Submissions (3):

Women's Health and Genetics/Laboratory Corporation of America, LabCorp
Classification: Pathogenic for Donnai-Barrow syndrome. Last evaluated: 2025-10-20. Review status: criteria provided, single submitter. Criteria: LabCorp Variant Classification Summary - May 2015. Collection method: clinical testing. Allele origin: germline.
Comment: Variant summary: LRP2 c.12136C>T (p.Arg4046X) results in a premature termination codon, predicted to cause a truncation of the encoded protein or absence of the protein due to nonsense mediated decay, which are commonly known mechanisms for disease. The variant was absent in 251350 control chromosomes. To our knowledge, no occurrence of c.12136C>T in individuals affected with LRP2-related conditions and no experimental evidence demonstrating its impact on protein function have been reported. ClinVar contains an entry for this variant (Variation ID: 2860294). Based on the evidence outlined above, the variant was classified as pathogenic.

Myriad Genetics, Inc.
Classification: Pathogenic for Donnai-Barrow syndrome. Last evaluated: 2024-09-26. Review status: criteria provided, single submitter. Criteria: Myriad Autosomal Dominant, Autosomal Recessive and X-Linked Classification Criteria (2023). Collection method: clinical testing. Allele origin: unknown.
Comment: NM_004525.2(LRP2):c.12136C>T(R4046*) is expected to be pathogenic in the context of Donnai-Barrow syndrome. This variant is predicted to lead to an abnormal or absent protein product due to the creation of a premature termination codon in LRP2, a gene where loss-of-function variants are known to be pathogenic. Please note: this variant was assessed in the context of healthy population screening.

Labcorp Genetics (formerly Invitae), Labcorp
Classification: Pathogenic. Last evaluated: 2023-12-24. Review status: criteria provided, single submitter. Criteria: Invitae Variant Classification Sherloc (09022015). Collection method: clinical testing. Allele origin: germline.
Comment: This sequence change creates a premature translational stop signal (p.Arg4046*) in the LRP2 gene. It is expected to result in an absent or disrupted protein product. Loss-of-function variants in LRP2 are known to be pathogenic (PMID: 17632512, 25682901). This variant is present in population databases (no rsID available, gnomAD 0.01%). This variant has not been reported in the literature in individuals affected with LRP2-related conditions. For these reasons, this variant has been classified as Pathogenic.

Literature cited by the submitters: PubMed 17632512 (cited by Labcorp Genetics (formerly Invitae), Labcorp); PubMed 25682901 (cited by Labcorp Genetics (formerly Invitae), Labcorp).